The following is an entry in ClinVar:

NM_005956.4(MTHFD1):c.646A>G (p.Thr216Ala)

Gene: MTHFD1 (methylenetetrahydrofolate dehydrogenase, cyclohydrolase and formyltetrahydrofolate synthetase 1; plus strand). Cytogenetic location: 14q23.3.
Variant type: single nucleotide variant.
Coding change: c.646A>G on transcript NM_005956.4 (MANE Select); coding-DNA position 646, A replaced by G.
Protein change: p.Thr216Ala; replaces threonine 216 with alanine.
Molecular consequence: missense variant.
Genome position (GRCh38, 1-based): chr14:64,419,844, A>G. VCF-style: chr14-64419844-A-G. GRCh37 (hg19) VCF-style: chr14-64886562-A-G.
Other names: c.646A>G, p.Thr216Ala (NM_001364837.1); c.646A>G (NM_005956.3); short protein forms T216A.
Identifiers: ClinVar variation 1467267 (VCV001467267.4), dbSNP rs760086582, ClinGen allele CA7226005.
Genomic context (GRCh38, chr14:64,419,844, plus strand): 5'-ATTTCTGATGTCCAAATCCCCTACCCCTAGGTAAATAAAGGTGACATCCTGGTGGTTGCA[A>G]CTGGTCAGCCTGAAATGGTTAAAGGGGAGTGGATCAAACCTGGGGCAATAGTCATCGACT-3'
Protein context (NP_005947.3, residues 206-226): VNKGDILVVA[Thr216Ala]GQPEMVKGEW

ClinVar aggregate classification (germline): Uncertain significance. Review status: criteria provided, multiple submitters, no conflicts (2 of 4 stars). 2 submissions from 2 submitters: Uncertain significance (2). Last evaluated 2026-07-23.

Conditions:
MTHFD1-related disorder. Also called: MTHFD1-related condition.

Allele frequency attached by ClinVar (database versions not stated): ExAC 0.00001; gnomAD exomes 0.00001; gnomAD 0.00002 and 0.00004; TOPMed 0.00004.
gnomAD v4.1: 21 of 1,613,990 alleles (0.0013%); highest among the groups gnomAD compares: Admixed American, 0.005%; no homozygotes.

Submissions (2):

PreventionGenetics, part of Exact Sciences
Classification: Uncertain significance for MTHFD1-related condition. Last evaluated: 2026-07-23. Review status: criteria provided, single submitter. Criteria: ACMG Guidelines, 2015. Collection method: clinical testing. Allele origin: germline.
Comment: The MTHFD1 c.646A>G variant is predicted to result in the amino acid substitution p.Thr216Ala. To our knowledge, this variant has not been reported in the literature. This variant is reported in 0.0026% of alleles in individuals of European (Non-Finnish) descent in gnomAD. At this time, the clinical significance of this variant is uncertain due to the absence of conclusive functional and genetic evidence.

Labcorp Genetics (formerly Invitae), Labcorp
Classification: Uncertain significance. Last evaluated: 2022-07-12. Review status: criteria provided, single submitter. Criteria: Invitae Variant Classification Sherloc (09022015). Collection method: clinical testing. Allele origin: germline.
Comment: This sequence change replaces threonine, which is neutral and polar, with alanine, which is neutral and non-polar, at codon 216 of the MTHFD1 protein (p.Thr216Ala). This variant is present in population databases (rs760086582, gnomAD 0.003%). This variant has not been reported in the literature in individuals affected with MTHFD1-related conditions. ClinVar contains an entry for this variant (Variation ID: 1467267). Algorithms developed to predict the effect of missense changes on protein structure and function output the following: SIFT: "Tolerated"; PolyPhen-2: "Benign"; Align-GVGD: "Class C0". The alanine amino acid residue is found in multiple mammalian species, which suggests that this missense change does not adversely affect protein function. Algorithms developed to predict the effect of sequence changes on RNA splicing suggest that this variant may create or strengthen a splice site. In summary, the available evidence is currently insufficient to determine the role of this variant in disease. Therefore, it has been classified as a Variant of Uncertain Significance.